The following is an entry in ClinVar:

NM_001099922.3(ALG13):c.1209C>T (p.Ser403=)

Gene: ALG13 (ALG13 UDP-N-acetylglucosaminyltransferase subunit; plus strand). Cytogenetic location: Xq23.
Variant type: single nucleotide variant.
Coding change: c.1209C>T on transcript NM_001099922.3 (MANE Select); coding-DNA position 1209, C replaced by T.
Protein change: p.Ser403=; no amino-acid change (serine 403 retained).
Molecular consequence: synonymous variant. On other transcripts: non-coding transcript variant (1).
Genome position (GRCh38, 1-based): chrX:111,718,233, C>T. VCF-style: chrX-111718233-C-T. GRCh37 (hg19) VCF-style: chrX-110961461-C-T.
Other names: c.1209C>T (NM_001099922.2); c.897C>T, p.Ser299= (NM_001257230.2, NM_001257234.2, NM_001257237.2 and 1 more transcripts); c.975C>T, p.Ser325= (NM_001257231.2); c.1209C>T, p.Ser403= (NM_001324292.2).
Identifiers: ClinVar variation 1013656 (VCV001013656.10), dbSNP rs773641755, ClinGen allele CA10493671.
Genomic context (GRCh38, chrX:111,718,233, plus strand): 5'-TGCGATTAAATTGTTTCGAAGTGGTTCTAAGAAGAACAGAAATAATGCTGTAACTGGAAG[C>T]GAGGATGCCCATACTGATTACAAGAGTTCAAATCAGAATAGGTAATAAAGGGAAAGGGGA-3'
Protein context (NP_001093392.1, residues 393-413): KKNRNNAVTG[Ser403=]EDAHTDYKSS

ClinVar aggregate classification (germline): Likely benign. Review status: criteria provided, multiple submitters, no conflicts (2 of 4 stars). 2 submissions from 2 submitters: Likely benign (2). Last evaluated 2026-03-01.

Conditions:
ALG13-related disorder. Also called: ALG13-related condition.
Developmental and epileptic encephalopathy, 36 (DEE36). Also called: ALG13-CDG; Epileptic encephalopathy, early infantile, 36; Congenital disorder of glycosylation, type Is. Identifiers: Orphanet 324422, MedGen C4317295, MONDO:0010472, OMIM 300884.

Allele frequency attached by ClinVar (database versions not stated): gnomAD exomes 0.00001 and 0.00002; TOPMed 0.00002; gnomAD 0.00003; ExAC 0.00004.
gnomAD v4.1: 21 of 1,191,816 alleles (0.0018%); highest among the groups gnomAD compares: East Asian, 0.006%; no homozygotes.

Submissions (2):

PreventionGenetics, part of Exact Sciences
Classification: Likely benign for ALG13-related condition. Last evaluated: 2026-03-01. Review status: criteria provided, single submitter. Criteria: ACMG Guidelines, 2015. Collection method: clinical testing. Allele origin: germline.
Comment: This variant is classified as likely benign based on ACMG/AMP sequence variant interpretation guidelines (Richards et al. 2015 PMID: 25741868, with internal and published modifications).

Labcorp Genetics (formerly Invitae), Labcorp
Classification: Likely benign for Developmental and epileptic encephalopathy, 36. Last evaluated: 2025-04-17. Review status: criteria provided, single submitter. Criteria: Invitae Variant Classification Sherloc (09022015). Collection method: clinical testing. Allele origin: germline.